The following is an entry in ClinVar:

ClinVar aggregate classification (germline): Uncertain significance (1 of 4 stars; one submission).

Conditions:
RASopathy. Also called: rasopathies; Noonan spectrum disorder. Identifiers: Orphanet 536391, MedGen C5555857, MONDO:0021060.

Submission:

Labcorp Genetics (formerly Invitae), Labcorp
Classification: Uncertain significance for RASopathy. Last evaluated: 2017-06-08. Review status: criteria provided, single submitter. Criteria: Invitae Variant Classification Sherloc (09022015). Collection method: clinical testing. Allele origin: germline.
Comment: Experimental studies and prediction algorithms are not available for this variant, and the functional significance of the deleted amino acid is currently unknown. In summary, this variant has uncertain impact on MAP2K1 function. The available evidence is currently insufficient to determine its role in disease. Therefore, it has been classified as a Variant of Uncertain Significance. This variant has not been reported in the literature in individuals with a MAP2K1-related disease. This variant is not present in population databases (ExAC no frequency). This variant, c.129_131delTGA, results in the deletion of 1 amino acid of the MAP2K1 protein (p.Asp43del), but otherwise preserves the integrity of the reading frame.

NM_002755.4(MAP2K1):c.126TGA[1] (p.Asp43del)

Gene: MAP2K1 (mitogen-activated protein kinase kinase 1; plus strand). Cytogenetic location: 15q22.31.
Variant type: Microsatellite.
Coding change: c.126TGA[1] on transcript NM_002755.4 (MANE Select); one copy of the 3-base unit TGA starting at c.126; the reference has two copies in a row; one copy, 3 bases deleted.
Protein change: p.Asp43del; deletes aspartic acid 43.
Molecular consequence: inframe deletion.
Genome position (GRCh38, 1-based): chr15:66,435,075-66,435,077, TGA deleted; deleting any 3 consecutive bases within chr15:66,435,072-66,435,077 gives the same sequence; the position shown is the placement nearest the transcript's 3' end. VCF-style (leftmost placement, unchanged base first): chr15-66435071-TTGA-T. GRCh37 (hg19) VCF-style: chr15-66727409-TTGA-T.
Other names: c.129_131delTGA (NM_002755.3); short protein forms D43del.
Identifiers: ClinVar variation 477666 (VCV000477666.7), dbSNP rs1555416037, ClinGen allele CA658656490.